The following is an entry in ClinVar:

NM_007214.5(SEC63):c.568A>G (p.Ile190Val)

Gene: SEC63 (SEC63 protein translocation regulator; minus strand). Cytogenetic location: 6q21.
Variant type: single nucleotide variant.
Coding change: c.568A>G on transcript NM_007214.5 (MANE Select); coding-DNA position 568, A replaced by G.
Protein change: p.Ile190Val; replaces isoleucine 190 with valine.
Molecular consequence: missense variant.
Genome position (GRCh38, 1-based): chr6:107,912,721, T>C on the plus strand (A>G on the coding strand, the complement: SEC63 is on the minus strand). VCF-style: chr6-107912721-T-C. GRCh37 (hg19) VCF-style: chr6-108233925-T-C.
Other names: short protein forms I190V.
Identifiers: ClinVar variation 4698471 (VCV004698471.1).

ClinVar aggregate classification (germline): Uncertain significance (1 of 4 stars; one submission).

gnomAD v4.1: 10 of 1,602,604 alleles (0.00062%); highest among the groups gnomAD compares: Middle Eastern, 0.017%; no homozygotes.

Submission:

Labcorp Genetics (formerly Invitae), Labcorp
Classification: Uncertain significance. Last evaluated: 2025-08-04. Review status: criteria provided, single submitter. Criteria: Invitae Variant Classification Sherloc (09022015). Collection method: clinical testing. Allele origin: germline.
Comment: This sequence change replaces isoleucine, which is neutral and non-polar, with valine, which is neutral and non-polar, at codon 190 of the SEC63 protein (p.Ile190Val). This variant is present in population databases (rs776169212, gnomAD 0.008%). This variant has not been reported in the literature in individuals affected with SEC63-related conditions. An algorithm developed to predict the effect of missense changes on protein structure and function (PolyPhen-2) suggests that this variant is likely to be tolerated. In summary, the available evidence is currently insufficient to determine the role of this variant in disease. Therefore, it has been classified as a Variant of Uncertain Significance.